The following is an entry in ClinVar:

NM_001079843.3(CASZ1):c.2440_2443dup (p.Val815fs)

Gene: CASZ1 (castor zinc finger 1; minus strand). Cytogenetic location: 1p36.22.
Variant type: Microsatellite.
Coding change: c.2440_2443dup on transcript NM_001079843.3 (MANE Select); coding-DNA positions 2440 to 2443, 4 bases duplicated (CCTG; older notation c.2440_2443dupCCTG).
Protein change: p.Val815fs; shifts the reading frame from valine 815.
Molecular consequence: frameshift variant.
Genome position (GRCh38, 1-based): chr1:10,653,614-10,653,617, CAGG duplicated on the plus strand (CCTG on the coding strand, the reverse complement: CASZ1 is on the minus strand); duplicating any 4 consecutive bases within chr1:10,653,614-10,653,621 gives the same sequence; the c. name uses the placement nearest the transcript's 3' end. VCF-style (leftmost placement, unchanged base first): chr1-10653613-A-ACAGG. GRCh37 (hg19) VCF-style: chr1-10713670-A-ACAGG.
Other names: c.2440_2443dup, p.Val815fs (NM_017766.5); short protein forms V815fs.
Identifiers: ClinVar variation 3773653 (VCV003773653.2).

ClinVar aggregate classification (germline): Pathogenic (1 of 4 stars; one submission).

Conditions:
CASZ1-associated cardiomyopathy.

Submission:

Institute of Human Genetics, University of Leipzig Medical Center
Classification: Pathogenic for CASZ1-associated cardiomyopathy. Last evaluated: 2025-03-04. Review status: criteria provided, single submitter. Criteria: ACMG Guidelines, 2015. Collection method: clinical testing. Allele origin: de novo. Affected: yes.
Comment: Criteria applied: PM2,PS2_MOD,PVS1